The following is an entry in ClinVar:

ClinVar aggregate classification (germline): Uncertain significance. Review status: criteria provided, multiple submitters, no conflicts (2 of 4 stars). 2 submissions from 2 submitters: Uncertain significance (2). Last evaluated 2025-07-05.

Conditions:
Inborn genetic diseases. Identifiers: MedGen C0950123, MeSH D030342.
Fanconi anemia (FA). Also called: Fanconi's anemia. Identifiers: Orphanet 84, MedGen C0015625, MeSH D005199, MONDO:0019391.

Submissions (2):

Ambry Genetics
Classification: Uncertain significance for Inborn genetic diseases. Last evaluated: 2025-07-05. Review status: criteria provided, single submitter. Criteria: Ambry Variant Classification Scheme 2023. Collection method: clinical testing. Allele origin: germline.
Comment: The p.V1898L variant (also known as c.5692G>T), located in coding exon 21 of the FANCM gene, results from a G to T substitution at nucleotide position 5692. The valine at codon 1898 is replaced by leucine, an amino acid with highly similar properties. This amino acid position is conserved. In addition, the in silico prediction for this alteration is inconclusive. Based on the available evidence, the clinical significance of this variant remains unclear.

Labcorp Genetics (formerly Invitae), Labcorp
Classification: Uncertain significance for Fanconi anemia. Last evaluated: 2022-07-23. Review status: criteria provided, single submitter. Criteria: Invitae Variant Classification Sherloc (09022015). Collection method: clinical testing. Allele origin: germline.
Comment: Algorithms developed to predict the effect of missense changes on protein structure and function are either unavailable or do not agree on the potential impact of this missense change (SIFT: "Deleterious"; PolyPhen-2: "Probably Damaging"; Align-GVGD: "Class C0"). In summary, the available evidence is currently insufficient to determine the role of this variant in disease. Therefore, it has been classified as a Variant of Uncertain Significance. This variant has not been reported in the literature in individuals affected with FANCM-related conditions. This variant is not present in population databases (gnomAD no frequency). This sequence change replaces valine, which is neutral and non-polar, with leucine, which is neutral and non-polar, at codon 1898 of the FANCM protein (p.Val1898Leu).

NM_020937.4(FANCM):c.5692G>T (p.Val1898Leu)

Gene: FANCM (FA complementation group M; plus strand). Cytogenetic location: 14q21.2.
Variant type: single nucleotide variant.
Coding change: c.5692G>T on transcript NM_020937.4 (MANE Select); coding-DNA position 5692, G replaced by T.
Protein change: p.Val1898Leu; replaces valine 1898 with leucine.
Molecular consequence: missense variant.
Genome position (GRCh38, 1-based): chr14:45,196,523, G>T. VCF-style: chr14-45196523-G-T. GRCh37 (hg19) VCF-style: chr14-45665726-G-T.
Other names: c.5614G>T, p.Val1872Leu (NM_001308133.2); short protein forms V1872L, V1898L.
Identifiers: ClinVar variation 1713437 (VCV001713437.6), dbSNP rs1203090548, ClinGen allele CA389586435.
Genomic context (GRCh38, chr14:45,196,523, plus strand): 5'-AACAAGTTCATTGAGCAGATCCAGCACCTGCAGAGTATGTTTGAAAGAATATGTGTGATT[G>T]TGGAAAAGGACAGAGAAAAAACAGGTTTGTATTTTTAAATATCTTTGTTTATAAGACTGT-3'
Protein context (NP_065988.1, residues 1888-1908): QSMFERICVI[Val1898Leu]EKDREKTGDT